The following is an entry in ClinVar:

ClinVar aggregate classification (germline): Uncertain significance (1 of 4 stars; one submission).

Allele frequency attached by ClinVar (database versions not stated): gnomAD exomes below 0.00001; ExAC 0.00001.
gnomAD v4.1: 2 of 1,613,260 alleles (0.00012%); highest among the groups gnomAD compares: South Asian, 0.0011%; no homozygotes.

Submission:

Labcorp Genetics (formerly Invitae), Labcorp
Classification: Uncertain significance. Last evaluated: 2022-08-09. Review status: criteria provided, single submitter. Criteria: Invitae Variant Classification Sherloc (09022015). Collection method: clinical testing. Allele origin: germline.
Comment: This variant has not been reported in the literature in individuals affected with CFH-related conditions. In summary, the available evidence is currently insufficient to determine the role of this variant in disease. Therefore, it has been classified as a Variant of Uncertain Significance. Algorithms developed to predict the effect of missense changes on protein structure and function are either unavailable or do not agree on the potential impact of this missense change (SIFT: "Deleterious"; PolyPhen-2: "Probably Damaging"; Align-GVGD: "Class C15"). This variant is present in population databases (rs769703977, gnomAD 0.003%). This sequence change replaces glycine, which is neutral and non-polar, with arginine, which is basic and polar, at codon 894 of the CFH protein (p.Gly894Arg).

NM_000186.4(CFH):c.2680G>A (p.Gly894Arg)

Gene: CFH (complement factor H; plus strand). Cytogenetic location: 1q31.3.
Variant type: single nucleotide variant.
Coding change: c.2680G>A on transcript NM_000186.4 (MANE Select); coding-DNA position 2680, G replaced by A.
Protein change: p.Gly894Arg; replaces glycine 894 with arginine.
Molecular consequence: missense variant.
Genome position (GRCh38, 1-based): chr1:196,737,558, G>A. VCF-style: chr1-196737558-G-A. GRCh37 (hg19) VCF-style: chr1-196706688-G-A.
Other names: short protein forms G894R.
Identifiers: ClinVar variation 1977163 (VCV001977163.5), dbSNP rs769703977, ClinGen allele CA1305715.